The following is an entry in ClinVar:

ClinVar aggregate classification (germline): Uncertain significance (1 of 4 stars; one submission).

Allele frequency attached by ClinVar (database versions not stated): gnomAD exomes below 0.00001; gnomAD 0.00001; TOPMed 0.00001.
gnomAD v4.1: 5 of 1,589,356 alleles (0.00031%); no homozygotes.

Submission:

Labcorp Genetics (formerly Invitae), Labcorp
Classification: Uncertain significance. Last evaluated: 2021-11-14. Review status: criteria provided, single submitter. Criteria: Invitae Variant Classification Sherloc (09022015). Collection method: clinical testing. Allele origin: germline.
Comment: In summary, the available evidence is currently insufficient to determine the role of this variant in disease. Therefore, it has been classified as a Variant of Uncertain Significance. Variants that disrupt the consensus splice site are a relatively common cause of aberrant splicing (PMID: 17576681, 9536098). Algorithms developed to predict the effect of sequence changes on RNA splicing suggest that this variant may disrupt the consensus splice site. This variant has not been reported in the literature in individuals affected with MME-related conditions. This variant is present in population databases (no rsID available, gnomAD 0.01%). This sequence change falls in intron 5 of the MME gene. It does not directly change the encoded amino acid sequence of the MME protein. It affects a nucleotide within the consensus splice site.

Literature cited by the submitters: PubMed 17576681; PubMed 9536098.

NM_007289.4(MME):c.439+6T>G

Gene: MME (membrane metalloendopeptidase; plus strand). Cytogenetic location: 3q25.2.
Variant type: single nucleotide variant.
Coding change: c.439+6T>G on transcript NM_007289.4 (MANE Select); 6 bases into the intron after coding-DNA position 439, T replaced by G.
Molecular consequence: intron variant.
Genome position (GRCh38, 1-based): chr3:155,116,565, T>G. VCF-style: chr3-155116565-T-G. GRCh37 (hg19) VCF-style: chr3-154834354-T-G.
Other names: c.439+6T>G (NM_001354642.2, NM_000902.5, NM_007287.4 and 2 more transcripts).
Identifiers: ClinVar variation 1990221 (VCV001990221.2), dbSNP rs1172517493, ClinGen allele CA547367816.